The following is an entry in ClinVar:

ClinVar aggregate classification (germline): Likely benign (1 of 4 stars; one submission).

Conditions:
VPS13B-related disorder. Also called: VPS13B-related condition.

Submission:

PreventionGenetics, part of Exact Sciences
Classification: Likely benign for VPS13B-related condition. Last evaluated: 2025-02-06. Review status: criteria provided, single submitter. Criteria: ACMG Guidelines, 2015. Collection method: clinical testing. Allele origin: germline.
Comment: This variant is classified as likely benign based on ACMG/AMP sequence variant interpretation guidelines (Richards et al. 2015 PMID: 25741868, with internal and published modifications).

NC_000008.11:g.100383249G>A

Gene: VPS13B (vacuolar protein sorting 13 homolog B; plus strand). Cytogenetic location: 8q22.2.
Variant type: single nucleotide variant.
Genome position: GRCh38 VCF-style: chr8-100383249-G-A. GRCh37 (hg19) VCF-style: chr8-101395477-G-A.
Identifiers: ClinVar variation 4999457 (VCV004999457.1).
Genomic context (GRCh38, chr8:100,383,249, plus strand): 5'-ATTCTTTCCATGAACTATATCTGTTAGCAAAACTCTGACTAAAAGTAAATTCCACAAATA[G>A]GGGTTTATGTTTCTCAAACAACATGAAGGTTAAAAGTACAACAATGGTGCTGATTCATCA-3'